The following is an entry in ClinVar:

ClinVar aggregate classification (germline): Uncertain significance (1 of 4 stars; one submission).

Conditions:
Inborn genetic diseases. Identifiers: MedGen C0950123, MeSH D030342.

gnomAD v4.1: 2 of 1,613,884 alleles (0.00012%); highest among the groups gnomAD compares: Non-Finnish European, 0.00017%; no homozygotes.

Submission:

Ambry Genetics
Classification: Uncertain significance for Inborn genetic diseases. Last evaluated: 2026-08-04. Review status: criteria provided, single submitter. Criteria: Ambry Variant Classification Scheme 2023. Collection method: clinical testing. Allele origin: germline.
Comment: The p.Q254H variant (also known as c.762G>T), located in coding exon 7 of the BUB1B gene, results from a G to T substitution at nucleotide position 762. The glutamine at codon 254 is replaced by histidine, an amino acid with highly similar properties. This amino acid position is conserved. In addition, this alteration is predicted to be tolerated by in silico analysis. Based on the available evidence, the clinical significance of this variant remains unclear.

NM_001211.6(BUB1B):c.762G>T (p.Gln254His)

Gene: BUB1B (BUB1 mitotic checkpoint serine/threonine kinase B; plus strand). Cytogenetic location: 15q15.1.
Variant type: single nucleotide variant.
Coding change: c.762G>T on transcript NM_001211.6 (MANE Select); coding-DNA position 762, G replaced by T.
Protein change: p.Gln254His; replaces glutamine 254 with histidine.
Molecular consequence: missense variant.
Genome position (GRCh38, 1-based): chr15:40,185,175, G>T. VCF-style: chr15-40185175-G-T. GRCh37 (hg19) VCF-style: chr15-40477376-G-T.
Other names: short protein forms Q254H.
Identifiers: ClinVar variation 5033528 (VCV005033528.1).